The following is an entry in ClinVar:

ClinVar aggregate classification (germline): Uncertain significance. Review status: criteria provided, multiple submitters, no conflicts (2 of 4 stars). 4 submissions from 4 submitters: Uncertain significance (4). Last evaluated 2025-05-21.

Conditions:
Familial hemiplegic migraine. Identifiers: MedGen C0338484, MONDO:0000700.
Alternating hemiplegia of childhood 1 (AHC1). Identifiers: Orphanet 2131, MedGen C3549447, MONDO:0007087, OMIM 104290.

Allele frequency attached by ClinVar (database versions not stated): gnomAD exomes below 0.00001.
gnomAD v4.1: 2 of 1,614,102 alleles (0.00012%); highest among the groups gnomAD compares: Middle Eastern, 0.016%; no homozygotes.

Submissions (4):

GeneDx
Classification: Uncertain significance. Last evaluated: 2025-05-21. Review status: criteria provided, single submitter. Criteria: GeneDx Variant Classification Process June 2021. Collection method: clinical testing. Allele origin: germline. Affected: yes.
Comment: Not observed at significant frequency in large population cohorts (gnomAD); In silico analysis supports that this missense variant has a deleterious effect on protein structure/function; Has not been previously published as pathogenic or benign to our knowledge

Labcorp Genetics (formerly Invitae), Labcorp
Classification: Uncertain significance for Familial hemiplegic migraine. Last evaluated: 2025-03-24. Review status: criteria provided, single submitter. Criteria: Invitae Variant Classification Sherloc (09022015). Collection method: clinical testing. Allele origin: germline.
Comment: This sequence change replaces isoleucine, which is neutral and non-polar, with asparagine, which is neutral and polar, at codon 240 of the ATP1A2 protein (p.Ile240Asn). This variant is not present in population databases (gnomAD no frequency). This variant has not been reported in the literature in individuals affected with ATP1A2-related conditions. ClinVar contains an entry for this variant (Variation ID: 982652). Invitae Evidence Modeling of protein sequence and biophysical properties (such as structural, functional, and spatial information, amino acid conservation, physicochemical variation, residue mobility, and thermodynamic stability) indicates that this missense variant is not expected to disrupt ATP1A2 protein function with a negative predictive value of 80%. In summary, the available evidence is currently insufficient to determine the role of this variant in disease. Therefore, it has been classified as a Variant of Uncertain Significance.

Dasa
Classification: Uncertain significance. Last evaluated: 2025-03-13. Review status: criteria provided, single submitter. Criteria: DASA Assertion Criteria. Collection method: clinical testing. Allele origin: germline.
Comment: NM_000702.4(ATP1A2):c.719T>A (p.Ile240Asn) is a missense variant that results in the substitution of isoleucine with asparagine. This variant is rare in population databases. Computational prediction algorithms are consistent with a deleterious effect. The currently available literature and clinical evidence are not sufficient to establish a definitive association between this variant and the reported condition. Therefore, this variant is classified as a variant of uncertain significance.

Institute of Human Genetics, University of Leipzig Medical Center
Classification: Uncertain significance for Alternating hemiplegia of childhood 1. Last evaluated: 2019-01-01. Review status: criteria provided, single submitter. Criteria: ACMG Guidelines, 2015. Collection method: clinical testing. Allele origin: unknown. Affected: yes.
Comment: This variant was identified as compound heterozygous.

NM_000702.4(ATP1A2):c.719T>A (p.Ile240Asn)

Genes: ATP1A2 (ATPase Na+/K+ transporting subunit alpha 2; plus strand), LOC126805890 (CDK7 strongly-dependent group 2 enhancer GRCh37_chr1:160093987-160095186; plus strand). Cytogenetic location: 1q23.2.
Variant type: single nucleotide variant.
Coding change: c.719T>A on transcript NM_000702.4 (MANE Select); coding-DNA position 719, T replaced by A.
Protein change: p.Ile240Asn; replaces isoleucine 240 with asparagine.
Molecular consequence: missense variant.
Genome position (GRCh38, 1-based): chr1:160,125,224, T>A. VCF-style: chr1-160125224-T-A. GRCh37 (hg19) VCF-style: chr1-160095014-T-A.
Other names: short protein forms I240N.
Identifiers: ClinVar variation 982652 (VCV000982652.6), dbSNP rs1651548209, ClinGen allele CA343235552.